The following is an entry in ClinVar:

NM_002907.4(RECQL):c.563A>G (p.Tyr188Cys)

Gene: RECQL (RecQ like helicase; minus strand). Cytogenetic location: 12p12.1.
Variant type: single nucleotide variant.
Coding change: c.563A>G on transcript NM_002907.4 (MANE Select); coding-DNA position 563, A replaced by G.
Protein change: p.Tyr188Cys; replaces tyrosine 188 with cysteine.
Molecular consequence: missense variant.
Genome position (GRCh38, 1-based): chr12:21,483,513, T>C on the plus strand (A>G on the coding strand, the complement: RECQL is on the minus strand). VCF-style: chr12-21483513-T-C. GRCh37 (hg19) VCF-style: chr12-21636447-T-C.
Other names: c.563A>G, p.Tyr188Cys (NM_032941.3); short protein forms Y188C.
Identifiers: ClinVar variation 1381103 (VCV001381103.9), dbSNP rs2137374594, ClinGen allele CA384127556.
Genomic context (GRCh38, chr12:21,483,513, plus strand): 5'-TAGGCTTTCTCTAGTCTTGACATAAACATTTTGCTTTTTGCAATTTTCTCTGGAGTCACA[T>C]AAATCAGCTTTAACTCGGAGTTTTTATTTACCATTTCAGCATGAACCCATTTAACATGCT-3'
Protein context (NP_002898.2, residues 178-198): VNKNSELKLI[Tyr188Cys]VTPEKIAKSK

ClinVar aggregate classification (germline): Uncertain significance. Review status: criteria provided, multiple submitters, no conflicts (2 of 4 stars). 2 submissions from 2 submitters: Uncertain significance (2). Last evaluated 2024-10-04.

Submissions (2):

Ambry Genetics
Classification: Uncertain significance. Last evaluated: 2024-10-04. Review status: criteria provided, single submitter. Criteria: Ambry Variant Classification Scheme 2023. Collection method: clinical testing. Allele origin: germline.
Comment: The p.Y188C variant (also known as c.563A>G), located in coding exon 5 of the RECQL gene, results from an A to G substitution at nucleotide position 563. The tyrosine at codon 188 is replaced by cysteine, an amino acid with highly dissimilar properties. This amino acid position is conserved. In addition, this alteration is predicted to be deleterious by in silico analysis. Since supporting evidence is limited at this time, the clinical significance of this alteration remains unclear.

Labcorp Genetics (formerly Invitae), Labcorp
Classification: Uncertain significance. Last evaluated: 2021-09-15. Review status: criteria provided, single submitter. Criteria: Invitae Variant Classification Sherloc (09022015). Collection method: clinical testing. Allele origin: germline.
Comment: This sequence change replaces tyrosine with cysteine at codon 188 of the RECQL protein (p.Tyr188Cys). The tyrosine residue is highly conserved and there is a large physicochemical difference between tyrosine and cysteine. This variant is not present in population databases (ExAC no frequency). This variant has not been reported in the literature in individuals affected with RECQL-related conditions. Algorithms developed to predict the effect of missense changes on protein structure and function (SIFT, PolyPhen-2, Align-GVGD) all suggest that this variant is likely to be disruptive. In summary, the available evidence is currently insufficient to determine the role of this variant in disease. Therefore, it has been classified as a Variant of Uncertain Significance.